The following is an entry in ClinVar:

ClinVar aggregate classification (germline): Likely benign (1 of 4 stars; one submission).

Conditions:
Familial intrahepatic cholestasis. Identifiers: Orphanet 284385, MedGen CN296401, MONDO:0017290.

gnomAD v4.1: 542 of 1,610,966 alleles (0.034%); highest among the groups gnomAD compares: Middle Eastern, 0.15%; 1 homozygote.

Submission:

Genomenon, Inc
Classification: Likely benign for Familial intrahepatic cholestasis. Last evaluated: 2026-04-14. Review status: criteria provided, single submitter. Criteria: Genomenon Sequence Variant Interpretation Standards - Updated. Collection method: curation. Allele origin: germline. Affected: yes.
Comment: ABCB4 c.2682+22T>C is an intronic variant located in intron 21. This variant has been observed in at least one proband with an ABCB4-related disorder (PMID:19261551). This intronic variant is not predicted to impact splicing, and at least one splicing study demonstrated no effect on splicing (PMID:19261551). In conclusion, we classify ABCB4 c.2682+22T>C as a likely benign variant.

Literature cited by the submitters: PubMed 19261551.

NM_000443.4(ABCB4):c.2682+22T>C

Gene: ABCB4 (ATP binding cassette subfamily B member 4; minus strand). Cytogenetic location: 7q21.12.
Variant type: single nucleotide variant.
Coding change: c.2682+22T>C on transcript NM_000443.4 (MANE Select); 22 bases into the intron after coding-DNA position 2682, T replaced by C.
Molecular consequence: intron variant.
Genome position (GRCh38, 1-based): chr7:87,417,290, A>G on the plus strand (T>C on the coding strand, the complement: ABCB4 is on the minus strand). VCF-style: chr7-87417290-A-G. GRCh37 (hg19) VCF-style: chr7-87046606-A-G.
Other names: c.2682+22T>C (NM_018850.3, NM_018849.3).
Identifiers: ClinVar variation 4846352 (VCV004846352.1).